The following is an entry in ClinVar:

ClinVar aggregate classification (germline): Uncertain significance (1 of 4 stars; one submission).

Conditions:
Early-infantile DEE. Also called: Early infantile epileptic encephalopathy; Ohtahara syndrome; Early infantile epileptic encephalopathy with suppression bursts. Identifiers: Orphanet 1934, MedGen C0393706, MONDO:0800491.

gnomAD v4.1: 3 of 1,613,920 alleles (0.00019%); highest among the groups gnomAD compares: Non-Finnish European, 0.00025%; no homozygotes.

Submission:

Labcorp Genetics (formerly Invitae), Labcorp
Classification: Uncertain significance for Early-infantile DEE. Last evaluated: 2020-11-27. Review status: criteria provided, single submitter. Criteria: Invitae Variant Classification Sherloc (09022015). Collection method: clinical testing. Allele origin: germline.
Comment: In summary, the available evidence is currently insufficient to determine the role of this variant in disease. Therefore, it has been classified as a Variant of Uncertain Significance. Advanced modeling of protein sequence and biophysical properties (such as structural, functional, and spatial information, amino acid conservation, physicochemical variation, residue mobility, and thermodynamic stability) performed at Invitae indicates that this missense variant is expected to disrupt SCN1A protein function. This variant has not been reported in the literature in individuals with SCN1A-related conditions. This variant is not present in population databases (ExAC no frequency). This sequence change replaces phenylalanine with cysteine at codon 1825 of the SCN1A protein (p.Phe1825Cys). The phenylalanine residue is highly conserved and there is a large physicochemical difference between phenylalanine and cysteine.

NM_001165963.4(SCN1A):c.5474T>G (p.Phe1825Cys)

Genes: SCN1A (sodium voltage-gated channel alpha subunit 1; minus strand), LOC102724058 (uncharacterized LOC102724058; plus strand). Cytogenetic location: 2q24.3.
Variant type: single nucleotide variant.
Coding change: c.5474T>G on transcript NM_001165963.4 (MANE Select); coding-DNA position 5474, T replaced by G.
Protein change: p.Phe1825Cys; replaces phenylalanine 1825 with cysteine.
Molecular consequence: missense variant. On other transcripts: non-coding transcript variant (1).
Genome position (GRCh38, 1-based): chr2:165,991,801, A>C on the plus strand (T>G on the coding strand, the complement: SCN1A is on the minus strand). VCF-style: chr2-165991801-A-C. GRCh37 (hg19) VCF-style: chr2-166848311-A-C.
Other names: c.5390T>G, p.Phe1797Cys (NM_001165964.3, NM_001353957.2, NM_001353958.2); c.5474T>G, p.Phe1825Cys (NM_001202435.3, NM_001353948.2); c.5441T>G, p.Phe1814Cys (NM_001353949.2, NM_001353950.2, NM_001353951.2 and 2 more transcripts); c.5438T>G, p.Phe1813Cys (NM_001353954.2, NM_001353955.2); c.5387T>G, p.Phe1796Cys (NM_001353960.2); c.3032T>G, p.Phe1011Cys (NM_001353961.2); short protein forms F1814C, F1825C, F1796C, F1011C, F1797C, F1813C.
Identifiers: ClinVar variation 1393562 (VCV001393562.9), dbSNP rs749198402, ClinGen allele CA349065913.